The following is an entry in ClinVar:

NM_002485.5(NBN):c.839C>T (p.Thr280Ile)

Gene: NBN (nibrin; minus strand). Cytogenetic location: 8q21.3.
Variant type: single nucleotide variant.
Coding change: c.839C>T on transcript NM_002485.5 (MANE Select); coding-DNA position 839, C replaced by T.
Protein change: p.Thr280Ile; replaces threonine 280 with isoleucine.
Molecular consequence: missense variant.
Genome position (GRCh38, 1-based): chr8:89,970,421, G>A on the plus strand (C>T on the coding strand, the complement: NBN is on the minus strand). VCF-style: chr8-89970421-G-A. GRCh37 (hg19) VCF-style: chr8-90982649-G-A.
Other names: c.593C>T, p.Thr198Ile (NM_001024688.3); short protein forms T198I, T280I.
Identifiers: ClinVar variation 1307613 (VCV001307613.8), dbSNP rs2129828243, ClinGen allele CA371658469.

ClinVar aggregate classification (germline): Conflicting classifications of pathogenicity. Review status: criteria provided, conflicting classifications (1 of 4 stars). 3 submissions from 3 submitters: Uncertain significance (2); Likely benign (1). Last evaluated 2022-06-28.

Conditions:
Hereditary cancer-predisposing syndrome. Also called: Neoplastic Syndromes, Hereditary; Hereditary Cancer Syndrome; Tumor predisposition; Hereditary neoplastic syndrome. Identifiers: Orphanet 140162, MedGen C0027672, MeSH D009386, MONDO:0015356.
Microcephaly, normal intelligence and immunodeficiency (NBS). Also called: IMMUNODEFICIENCY, MICROCEPHALY, AND CHROMOSOMAL INSTABILITY; Ataxia telangiectasia variant V1; Immunodeficiency, microcephaly with normal intelligence; SEEMANOVA SYNDROME II; Nijmegen breakage syndrome; Microcephaly with normal intelligence immunodeficiency and lymphoreticular malignancies. Identifiers: Orphanet 647, MedGen C0398791, MONDO:0009623, OMIM 251260.

Allele frequency attached by ClinVar (database versions not stated): gnomAD exomes below 0.00001.
gnomAD v4.1: 1 of 1,613,922 alleles (0.000062%); highest among the groups gnomAD compares: East Asian, 0.0022%; no homozygotes.

Submissions (3):

Labcorp Genetics (formerly Invitae), Labcorp
Classification: Uncertain significance for Microcephaly, normal intelligence and immunodeficiency. Last evaluated: 2022-06-28. Review status: criteria provided, single submitter. Criteria: Invitae Variant Classification Sherloc (09022015). Collection method: clinical testing. Allele origin: germline.
Comment: In summary, the available evidence is currently insufficient to determine the role of this variant in disease. Therefore, it has been classified as a Variant of Uncertain Significance. This sequence change replaces threonine, which is neutral and polar, with isoleucine, which is neutral and non-polar, at codon 280 of the NBN protein (p.Thr280Ile). This variant is not present in population databases (gnomAD no frequency). This variant has not been reported in the literature in individuals affected with NBN-related conditions. ClinVar contains an entry for this variant (Variation ID: 1307613). Algorithms developed to predict the effect of missense changes on protein structure and function output the following: SIFT: "Tolerated"; PolyPhen-2: "Benign"; Align-GVGD: "Class C0". The isoleucine amino acid residue is found in multiple mammalian species, which suggests that this missense change does not adversely affect protein function.

Ambry Genetics
Classification: Likely benign for Hereditary cancer-predisposing syndrome. Last evaluated: 2020-01-17. Review status: criteria provided, single submitter. Criteria: Ambry Variant Classification Scheme 2023. Collection method: clinical testing. Allele origin: germline.

GeneDx
Classification: Uncertain significance. Last evaluated: 2019-08-02. Review status: criteria provided, single submitter. Criteria: GeneDx Variant Classification Process June 2021. Collection method: clinical testing. Allele origin: germline. Affected: yes.
Comment: Not observed in large population cohorts (Lek 2016); In silico analysis, which includes protein predictors and evolutionary conservation, supports that this variant does not alter protein structure/function; Has not been previously published as pathogenic or benign to our knowledge